The following is an entry in ClinVar:

NM_144670.6(A2ML1):c.1784A>T (p.Asp595Val)

Gene: A2ML1 (alpha-2-macroglobulin like 1; plus strand). Cytogenetic location: 12p13.31.
Variant type: single nucleotide variant.
Coding change: c.1784A>T on transcript NM_144670.6 (MANE Select); coding-DNA position 1784, A replaced by T.
Protein change: p.Asp595Val; replaces aspartic acid 595 with valine.
Molecular consequence: missense variant.
Genome position (GRCh38, 1-based): chr12:8,847,649, A>T. VCF-style: chr12-8847649-A-T. GRCh37 (hg19) VCF-style: chr12-9000245-A-T.
Other names: c.311A>T, p.Asp104Val (NM_001282424.3); short protein forms D595V, D104V.
Identifiers: ClinVar variation 938310 (VCV000938310.9), dbSNP rs1462968334, ClinGen allele CA383829693.

ClinVar aggregate classification (germline): Uncertain significance (1 of 4 stars; one submission).

Allele frequency attached by ClinVar (database versions not stated): gnomAD exomes below 0.00001; TOPMed below 0.00001.
gnomAD v4.1: 2 of 1,613,806 alleles (0.00012%); highest among the groups gnomAD compares: Non-Finnish European, 0.00017%; no homozygotes.

Submission:

Labcorp Genetics (formerly Invitae), Labcorp
Classification: Uncertain significance. Last evaluated: 2019-09-13. Review status: criteria provided, single submitter. Criteria: Invitae Variant Classification Sherloc (09022015). Collection method: clinical testing. Allele origin: germline.
Comment: In summary, the available evidence is currently insufficient to determine the role of this variant in disease. Therefore, it has been classified as a Variant of Uncertain Significance. Algorithms developed to predict the effect of missense changes on protein structure and function (SIFT, PolyPhen-2, Align-GVGD) all suggest that this variant is likely to be disruptive, but these predictions have not been confirmed by published functional studies and their clinical significance is uncertain. This variant has not been reported in the literature in individuals with A2ML1-related conditions. This variant is not present in population databases (ExAC no frequency). This sequence change replaces aspartic acid with valine at codon 595 of the A2ML1 protein (p.Asp595Val). The aspartic acid residue is highly conserved and there is a large physicochemical difference between aspartic acid and valine.